The following is an entry in ClinVar:

ClinVar aggregate classification (germline): Likely pathogenic (1 of 4 stars; one submission).

Conditions:
6-Pyruvoyl-tetrahydrobiopterin synthase deficiency. Also called: 6-Pyruvoyltetrahydropterin Synthase Deficiency; HYPERPHENYLALANINEMIA, TETRAHYDROBIOPTERIN-DEFICIENT, DUE TO PTS DEFICIENCY; PTS DEFICIENCY; Hyperphenylalanemia, BH4-deficient, A; Hyperphenylalaninemia due to 6-pyruvoyl-tetrahydropterin synthase deficiency; BH4-deficient hyperphenylalaninemia A. Identifiers: Orphanet 13, Orphanet 238583, MedGen C0878676, MONDO:0009863, OMIM 261640.

Submission:

Natera, Inc.
Classification: Likely pathogenic for 6-Pyruvoyl-tetrahydrobiopterin synthase deficiency. Last evaluated: 2025-10-30. Review status: criteria provided, single submitter. Criteria: Natera Variant Classification Schema (03/2026). Collection method: clinical testing. Allele origin: germline.
Comment: The c.164-4_165del variant in PTS is a deletion affecting a canonical splice acceptor site. This variant is expected to result in nonsense mediated decay, truncation, or a dysfunctional protein product. This variant is rare in the general population with a frequency below the threshold expected for the associated phenotype(s). Given the available evidence, this variant is classified as Likely Pathogenic.

NM_000317.3(PTS):c.164-4_165del

Gene: PTS (6-pyruvoyltetrahydropterin synthase; plus strand). Cytogenetic location: 11q23.1.
Variant type: Deletion.
Coding change: c.164-4_165del on transcript NM_000317.3 (MANE Select); 4 bases into the intron before coding-DNA position 164 through coding-DNA position 165, 6 bases deleted (ATAGTT; older notation c.164-4_165delATAGTT).
Molecular consequence: splice acceptor variant.
Genome position (GRCh38, 1-based): chr11:112,230,204-112,230,209, ATAGTT deleted. VCF-style (leftmost placement, unchanged base first): chr11-112230203-CATAGTT-C. GRCh37 (hg19) VCF-style: chr11-112100926-CATAGTT-C.
Identifiers: ClinVar variation 4818149 (VCV004818149.1).